The following is an entry in ClinVar:

NM_201384.3(PLEC):c.5420G>A (p.Arg1807His)

Gene: PLEC (plectin; minus strand). Cytogenetic location: 8q24.3.
Variant type: single nucleotide variant.
Coding change: c.5420G>A on transcript NM_201384.3 (MANE Select); coding-DNA position 5420, G replaced by A.
Protein change: p.Arg1807His; replaces arginine 1807 with histidine.
Molecular consequence: missense variant.
Genome position (GRCh38, 1-based): chr8:143,924,509, C>T on the plus strand (G>A on the coding strand, the complement: PLEC is on the minus strand). VCF-style: chr8-143924509-C-T. GRCh37 (hg19) VCF-style: chr8-144998677-C-T.
Other names: c.5501G>A, p.Arg1834His (NM_000445.5); c.5378G>A, p.Arg1793His (NM_201378.4); c.5354G>A, p.Arg1785His (NM_201379.3); c.5831G>A, p.Arg1944His (NM_201380.4); c.5324G>A, p.Arg1775His (NM_201381.3); c.5420G>A, p.Arg1807His (NM_201382.4); c.5432G>A, p.Arg1811His (NM_201383.3); short protein forms R1775H, R1807H, R1834H, R1944H, R1811H, R1785H, R1793H.
Identifiers: ClinVar variation 668195 (VCV000668195.7), dbSNP rs782737003, ClinGen allele CA4926368.

ClinVar aggregate classification (germline): Conflicting classifications of pathogenicity. Review status: criteria provided, conflicting classifications (1 of 4 stars). 3 submissions from 3 submitters: Uncertain significance (2); Likely benign (1). Last evaluated 2025-08-29.

Conditions:
Epidermolysis bullosa simplex, Ogna type (EBS5A). Also called: Pidermolysis bullosa simplex 5A, Ogna type; EPIDERMOLYSIS BULLOSA SIMPLEX 5A, OGNA TYPE. Identifiers: Orphanet 79401, MedGen C0432317, MONDO:0007555, OMIM 131950.
Epidermolysis bullosa simplex 5C, with pyloric atresia (EBS5C). Also called: PLEC1-Related Epidermolysis Bullosa with Pyloric Atresia; PLEC-Related Epidermolysis Bullosa with Pyloric Atresia; Epidermolysis bullosa simplex with pyloric atresia. Identifiers: Orphanet 158684, MedGen C2677349, MONDO:0012807, OMIM 612138.
Epidermolysis bullosa simplex 5B, with muscular dystrophy (EBS5B). Also called: Epidermolysis bullosa simplex with muscular dystrophy; EPIDERMOLYSIS BULLOSA SIMPLEX AND LIMB-GIRDLE MUSCULAR DYSTROPHY. Identifiers: Orphanet 257, MedGen C2931072, MONDO:0009181, OMIM 226670.
Autosomal recessive limb-girdle muscular dystrophy type 2Q (LGMDR17). Also called: MUSCULAR DYSTROPHY, LIMB-GIRDLE, AUTOSOMAL RECESSIVE 17. Identifiers: Orphanet 254361, MedGen C3150989, MONDO:0013390, OMIM 613723.
Epidermolysis bullosa simplex with nail dystrophy (EBS5D). Identifiers: MedGen C4225309, MONDO:0014661, OMIM 616487.
Inborn genetic diseases. Identifiers: MedGen C0950123, MeSH D030342.

Allele frequency attached by ClinVar (database versions not stated): gnomAD exomes 0.00001 and 0.00002; ExAC 0.00004; gnomAD 0.00006; TOPMed 0.00006.
gnomAD v4.1: 30 of 1,537,808 alleles (0.002%); highest among the groups gnomAD compares: African/African-American, 0.015%; no homozygotes.

Submissions (3):

Ambry Genetics
Classification: Uncertain significance for Inborn genetic diseases. Last evaluated: 2025-08-29. Review status: criteria provided, single submitter. Criteria: Ambry Variant Classification Scheme 2023. Collection method: clinical testing. Allele origin: germline.

Labcorp Genetics (formerly Invitae), Labcorp
Classification: Uncertain significance for Autosomal recessive limb-girdle muscular dystrophy type 2Q; Epidermolysis bullosa simplex, Ogna type; Epidermolysis bullosa simplex with nail dystrophy; Epidermolysis bullosa simplex 5C, with pyloric atresia; Epidermolysis bullosa simplex 5B, with muscular dystrophy. Last evaluated: 2025-06-02. Review status: criteria provided, single submitter. Criteria: Invitae Variant Classification Sherloc (09022015). Collection method: clinical testing. Allele origin: germline.
Comment: This sequence change replaces arginine, which is basic and polar, with histidine, which is basic and polar, at codon 1834 of the PLEC protein (p.Arg1834His). The frequency data for this variant in the population databases is considered unreliable, as metrics indicate poor data quality at this position in the gnomAD database. This variant has not been reported in the literature in individuals affected with PLEC-related conditions. ClinVar contains an entry for this variant (Variation ID: 668195). Experimental studies and prediction algorithms are not available or were not evaluated, and the functional significance of this variant is currently unknown. In summary, the available evidence is currently insufficient to determine the role of this variant in disease. Therefore, it has been classified as a Variant of Uncertain Significance.

GeneDx
Classification: Likely benign. Last evaluated: 2018-05-09. Review status: criteria provided, single submitter. Criteria: GeneDx Variant Classification (06012015). Collection method: clinical testing. Allele origin: germline. Affected: yes.
Comment: This variant is considered likely benign or benign based on one or more of the following criteria: it is a conservative change, it occurs at a poorly conserved position in the protein, it is predicted to be benign by multiple in silico algorithms, and/or has population frequency not consistent with disease.